The following is an entry in ClinVar:

NM_001297.5(CNGB1):c.1148C>T (p.Ser383Leu)

Gene: CNGB1 (cyclic nucleotide gated channel subunit beta 1; minus strand). Cytogenetic location: 16q21.
Variant type: single nucleotide variant.
Coding change: c.1148C>T on transcript NM_001297.5 (MANE Select); coding-DNA position 1148, C replaced by T.
Protein change: p.Ser383Leu; replaces serine 383 with leucine.
Molecular consequence: missense variant.
Genome position (GRCh38, 1-based): chr16:57,940,295, G>A on the plus strand (C>T on the coding strand, the complement: CNGB1 is on the minus strand). VCF-style: chr16-57940295-G-A. GRCh37 (hg19) VCF-style: chr16-57974199-G-A.
Other names: c.1130C>T, p.Ser377Leu (NM_001286130.2); short protein forms S377L, S383L.
Identifiers: ClinVar variation 843340 (VCV000843340.8), dbSNP rs1340092292, ClinGen allele CA396073677.
Genomic context (GRCh38, chr16:57,940,295, plus strand): 5'-TGATCTGAAGTGCTCTGGGGCCGGGTCCCGTCTTCTTCACTCTGGCCCACGCCCACCTGC[G>A]ACACCACACAGCTATCCAGCAGCACCCTGTGACCCGGGGCGGGGTGGGGAGGATAAAAGG-3'
Protein context (NP_001288.3, residues 373-393): TEVLLDSCVV[Ser383Leu]QVGVGQSEED

ClinVar aggregate classification (germline): Uncertain significance. Review status: criteria provided, multiple submitters, no conflicts (2 of 4 stars). 2 submissions from 2 submitters: Uncertain significance (2). Last evaluated 2025-03-03.

Conditions:
Inborn genetic diseases. Identifiers: MedGen C0950123, MeSH D030342.

Allele frequency attached by ClinVar (database versions not stated): gnomAD exomes 0.00001 and 0.00002; TOPMed 0.00002.
gnomAD v4.1: 12 of 1,583,478 alleles (0.00076%); highest among the groups gnomAD compares: South Asian, 0.0023%; no homozygotes.

Submissions (2):

Ambry Genetics
Classification: Uncertain significance for Inborn genetic diseases. Last evaluated: 2025-03-03. Review status: criteria provided, single submitter. Criteria: Ambry Variant Classification Scheme 2023. Collection method: clinical testing. Allele origin: germline.

Labcorp Genetics (formerly Invitae), Labcorp
Classification: Uncertain significance. Last evaluated: 2022-07-06. Review status: criteria provided, single submitter. Criteria: Invitae Variant Classification Sherloc (09022015). Collection method: clinical testing. Allele origin: germline.
Comment: In summary, the available evidence is currently insufficient to determine the role of this variant in disease. Therefore, it has been classified as a Variant of Uncertain Significance. Algorithms developed to predict the effect of sequence changes on RNA splicing suggest that this variant may create or strengthen a splice site. Advanced modeling of protein sequence and biophysical properties (such as structural, functional, and spatial information, amino acid conservation, physicochemical variation, residue mobility, and thermodynamic stability) performed at Invitae indicates that this missense variant is not expected to disrupt CNGB1 protein function. ClinVar contains an entry for this variant (Variation ID: 843340). This variant has not been reported in the literature in individuals affected with CNGB1-related conditions. The frequency data for this variant in the population databases is considered unreliable, as metrics indicate poor data quality at this position in the gnomAD database. This sequence change replaces serine, which is neutral and polar, with leucine, which is neutral and non-polar, at codon 383 of the CNGB1 protein (p.Ser383Leu).